The following is an entry in ClinVar:

ClinVar aggregate classification (germline): Benign (1 of 4 stars; one submission).

Conditions:
Hereditary spastic paraplegia 4. Also called: Spastic paraplegia 4, autosomal dominant; Spastic Paraplegia 4; Familial spastic paraplegia autosomal dominant 2. Identifiers: Orphanet 100985, MedGen C1866855, MONDO:0008438, OMIM 182601.

Allele frequency attached by ClinVar (database versions not stated): gnomAD 0.00995 and 0.01062; TOPMed 0.01084; 1000 Genomes Project 0.01218; 1000 Genomes Project 30x 0.01390.

Submission:

Illumina Laboratory Services, Illumina
Classification: Benign for Hereditary spastic paraplegia 4. Last evaluated: 2018-01-13. Review status: criteria provided, single submitter. Criteria: ICSL Variant Classification Criteria 13 December 2019. Collection method: clinical testing. Allele origin: germline.
Comment: This variant was observed in the ICSL laboratory as part of a predisposition screen in an ostensibly healthy population. It had not been previously curated by ICSL or reported in the Human Gene Mutation Database (HGMD: prior to June 1st, 2018), and was therefore a candidate for classification through an automated scoring system. Utilizing variant allele frequency, disease prevalence and penetrance estimates, and inheritance mode, an automated score was calculated to assess if this variant is too frequent to cause the disease. Based on the score and internal cut-off values, a variant classified as benign is not then subjected to further curation. The score for this variant resulted in a classification of benign for this disease.

NM_014946.4(SPAST):c.*591A>T

Gene: SPAST (spastin; plus strand). Cytogenetic location: 2p22.3.
Variant type: single nucleotide variant.
Coding change: c.*591A>T on transcript NM_014946.4 (MANE Select); 591 bases downstream of the stop codon, A replaced by T.
Molecular consequence: 3 prime UTR variant.
Genome position (GRCh38, 1-based): chr2:32,155,087, A>T. VCF-style: chr2-32155087-A-T. GRCh37 (hg19) VCF-style: chr2-32380156-A-T.
Other names: c.*591A>T (NM_001363823.2, NM_001363875.2, NM_199436.2); c.*715A>T (NM_001377959.1).
Identifiers: ClinVar variation 335849 (VCV000335849.5), dbSNP rs115996749, ClinGen allele CA10613235.